The following is an entry in ClinVar:

ClinVar aggregate classification (germline): Uncertain significance. Review status: criteria provided, multiple submitters, no conflicts (2 of 4 stars). 2 submissions from 2 submitters: Uncertain significance (2). Last evaluated 2024-08-19.

Conditions:
Hereditary cancer-predisposing syndrome. Also called: Hereditary neoplastic syndrome; Neoplastic Syndromes, Hereditary; Tumor predisposition; Hereditary Cancer Syndrome. Identifiers: Orphanet 140162, MedGen C0027672, MeSH D009386, MONDO:0015356.
POLD1-related polyposis and colorectal cancer syndrome (CRCS10). Also called: Colorectal cancer, susceptibility to, 10; Colorectal cancer 10; COLORECTAL CANCER, SUSCEPTIBILITY TO, ON CHROMOSOME 19q. Identifiers: Orphanet 220460, MedGen C2675481, MONDO:0012953, OMIM 612591.

Allele frequency attached by ClinVar (database versions not stated): gnomAD exomes below 0.00001; gnomAD 0.00001.
gnomAD v4.1: 4 of 1,549,966 alleles (0.00026%); highest among the groups gnomAD compares: Non-Finnish European, 0.00035%; no homozygotes.

Submissions (2):

Ambry Genetics
Classification: Uncertain significance for Hereditary cancer-predisposing syndrome. Last evaluated: 2024-08-19. Review status: criteria provided, single submitter. Criteria: Ambry Variant Classification Scheme 2023. Collection method: clinical testing. Allele origin: germline.
Comment: The p.E959K variant (also known as c.2875G>A), located in coding exon 22 of the POLD1 gene, results from a G to A substitution at nucleotide position 2875. The glutamic acid at codon 959 is replaced by lysine, an amino acid with similar properties. This amino acid position is conserved. In addition, this alteration is predicted to be tolerated by in silico analysis. Based on the available evidence, the clinical significance of this variant remains unclear.

Labcorp Genetics (formerly Invitae), Labcorp
Classification: Uncertain significance for POLD1-related polyposis and colorectal cancer syndrome. Last evaluated: 2024-06-18. Review status: criteria provided, single submitter. Criteria: Invitae Variant Classification Sherloc (09022015). Collection method: clinical testing. Allele origin: germline.
Comment: This sequence change replaces glutamic acid, which is acidic and polar, with lysine, which is basic and polar, at codon 959 of the POLD1 protein (p.Glu959Lys). This variant is present in population databases (no rsID available, gnomAD 0.003%). This variant has not been reported in the literature in individuals affected with POLD1-related conditions. ClinVar contains an entry for this variant (Variation ID: 1061668). Advanced modeling of protein sequence and biophysical properties (such as structural, functional, and spatial information, amino acid conservation, physicochemical variation, residue mobility, and thermodynamic stability) performed at Invitae indicates that this missense variant is not expected to disrupt POLD1 protein function with a negative predictive value of 80%. In summary, the available evidence is currently insufficient to determine the role of this variant in disease. Therefore, it has been classified as a Variant of Uncertain Significance.

NM_002691.4(POLD1):c.2875G>A (p.Glu959Lys)

Gene: POLD1 (DNA polymerase delta 1, catalytic subunit; plus strand). Cytogenetic location: 19q13.33.
Variant type: single nucleotide variant.
Coding change: c.2875G>A on transcript NM_002691.4 (MANE Select); coding-DNA position 2875, G replaced by A.
Protein change: p.Glu959Lys; replaces glutamic acid 959 with lysine.
Molecular consequence: missense variant. On other transcripts: non-coding transcript variant (1).
Genome position (GRCh38, 1-based): chr19:50,416,450, G>A. VCF-style: chr19-50416450-G-A. GRCh37 (hg19) VCF-style: chr19-50919707-G-A.
Other names: c.2875G>A (NM_002691.2); c.2875G>A, p.Glu959Lys (NM_001256849.1); c.2953G>A, p.Glu985Lys (NM_001308632.1); short protein forms E959K, E985K.
Identifiers: ClinVar variation 1061668 (VCV001061668.8), dbSNP rs1411727570, ClinGen allele CA406986432.